The following is an entry in ClinVar:

NM_001256715.2(DNAAF3):c.873_892del (p.Asp291fs)

Genes: DNAAF3 (dynein axonemal assembly factor 3; minus strand), DNAAF3-AS1 (DNAAF3 antisense RNA 1; plus strand). Cytogenetic location: 19q13.42.
Variant type: Deletion.
Coding change: c.873_892del on transcript NM_001256715.2 (MANE Select); coding-DNA positions 873 to 892, 20 bases deleted (CGAGAGCCTCCTGCGGACGA).
Protein change: p.Asp291fs; shifts the reading frame from aspartic acid 291.
Molecular consequence: frameshift variant.
Genome position (GRCh38, 1-based): chr19:55,161,085-55,161,104, TCGTCCGCAGGAGGCTCTCG deleted on the plus strand (CGAGAGCCTCCTGCGGACGA on the coding strand, the reverse complement: DNAAF3 is on the minus strand); deleting any 20 consecutive bases within chr19:55,161,085-55,161,112 gives the same sequence; the c. name uses the placement nearest the transcript's 3' end. VCF-style (leftmost placement, unchanged base first): chr19-55161084-CTCGTCCGCAGGAGGCTCTCG-C. GRCh37 (hg19) VCF-style: chr19-55672452-CTCGTCCGCAGGAGGCTCTCG-C.
Other names: c.1077_1096del, p.Asp359fs (NM_001256714.1); c.711_730del, p.Asp237fs (NM_001256716.2); c.1014_1033del, p.Asp338fs (NM_178837.4); short protein forms D237fs, D291fs, D338fs, D359fs.
Identifiers: ClinVar variation 4085393 (VCV004085393.8).

ClinVar aggregate classification (germline): Pathogenic (1 of 4 stars; one submission).

Submission:

CeGaT Center for Human Genetics Tuebingen
Classification: Pathogenic. Last evaluated: 2025-07-01. Review status: criteria provided, single submitter. Criteria: CeGaT Center For Human Genetics Tuebingen Variant Classification Criteria Version 2. Collection method: clinical testing. Allele origin: germline. Affected: yes. Observed: 1 variant allele.
Comment: DNAAF3: PVS1, PM2